The following is an entry in ClinVar:

ClinVar aggregate classification (germline): Benign/Likely benign. Review status: criteria provided, multiple submitters, no conflicts (2 of 4 stars). 4 submissions from 4 submitters: Benign (3); Likely benign (1). Last evaluated 2026-01-28.

Conditions:
Catecholaminergic polymorphic ventricular tachycardia 1. Also called: RYR2-Related Catecholaminergic Polymorphic Ventricular Tachycardia; VENTRICULAR TACHYCARDIA, CATECHOLAMINERGIC POLYMORPHIC, 1, WITH OR WITHOUT ATRIAL DYSFUNCTION AND/OR DILATED CARDIOMYOPATHY; VENTRICULAR TACHYCARDIA, STRESS-INDUCED POLYMORPHIC 1. Identifiers: Orphanet 3286, MedGen C1631597, MONDO:0011484, OMIM 604772.

Allele frequency attached by ClinVar (database versions not stated): gnomAD 0.00013 and 0.00021; gnomAD exomes 0.00018 and 0.00046; TOPMed 0.00023; ExAC 0.00050; 1000 Genomes Project 30x 0.00062; 1000 Genomes Project 0.00080.
gnomAD v4.1: 307 of 1,594,126 alleles (0.019%); highest among the groups gnomAD compares: East Asian, 0.5%; 1 homozygote.

Submissions (4):

Labcorp Genetics (formerly Invitae), Labcorp
Classification: Benign for Catecholaminergic polymorphic ventricular tachycardia 1. Last evaluated: 2026-01-28. Review status: criteria provided, single submitter. Criteria: Invitae Variant Classification Sherloc (09022015). Collection method: clinical testing. Allele origin: germline.

Blueprint Genetics
Classification: Likely benign. Last evaluated: 2024-10-04. Review status: criteria provided, single submitter. Criteria: ACMG Guidelines, 2015. Collection method: clinical testing. Allele origin: germline.

GeneDx
Classification: Benign. Last evaluated: 2015-07-16. Review status: criteria provided, single submitter. Criteria: GeneDx Variant Classification (06012015). Collection method: clinical testing. Allele origin: germline. Affected: yes.
Comment: This variant is considered likely benign or benign based on one or more of the following criteria: it is a conservative change, it occurs at a poorly conserved position in the protein, it is predicted to be benign by multiple in silico algorithms, and/or has population frequency not consistent with disease.

Breakthrough Genomics
Classification: Benign. Review status: criteria provided, single submitter. Criteria: ACMG Guidelines, 2015. Collection method: not provided. Allele origin: germline. Inheritance: Autosomal dominant inheritance. Affected: yes.

NM_001035.3(RYR2):c.4911-19A>G

Gene: RYR2 (ryanodine receptor 2; plus strand). Cytogenetic location: 1q43.
Variant type: single nucleotide variant.
Coding change: c.4911-19A>G on transcript NM_001035.3 (MANE Select); 19 bases into the intron before coding-DNA position 4911, A replaced by G.
Molecular consequence: intron variant.
Genome position (GRCh38, 1-based): chr1:237,614,020, A>G. VCF-style: chr1-237614020-A-G. GRCh37 (hg19) VCF-style: chr1-237777320-A-G.
Other names: c.4911-19A>G (LRG_402t1).
Identifiers: ClinVar variation 378489 (VCV000378489.12), dbSNP rs140517111, ClinGen allele CA086776.
Genomic context (GRCh38, chr1:237,614,020, plus strand): 5'-CATACTGATTTCTCCTCTGATTCAGATTTTAAAAAATCATTCATTTCTAATCTTACTACC[A>G]CTCTCCTCCCTTCTACAGATCTGTTGACATCTTAGAGTTGACAGAGCAGGAGGAATTGCT-3'